The following is an entry in ClinVar:

ClinVar aggregate classification (germline): Uncertain significance (1 of 4 stars; one submission).

Conditions:
Epilepsy, progressive myoclonic, 1B. Also called: PME. Identifiers: Orphanet 308, MedGen C2676254, MONDO:0012904, OMIM 612437.

Allele frequency attached by ClinVar (database versions not stated): gnomAD exomes 0.00001.
gnomAD v4.1: 3 of 1,614,186 alleles (0.00019%); highest among the groups gnomAD compares: Non-Finnish European, 0.00025%; no homozygotes.

Submission:

Labcorp Genetics (formerly Invitae), Labcorp
Classification: Uncertain significance for Epilepsy, progressive myoclonic, 1B. Last evaluated: 2021-12-15. Review status: criteria provided, single submitter. Criteria: Invitae Variant Classification Sherloc (09022015). Collection method: clinical testing. Allele origin: germline.
Comment: In summary, the available evidence is currently insufficient to determine the role of this variant in disease. Therefore, it has been classified as a Variant of Uncertain Significance. Algorithms developed to predict the effect of missense changes on protein structure and function (SIFT, PolyPhen-2, Align-GVGD) all suggest that this variant is likely to be disruptive. This variant has not been reported in the literature in individuals affected with PRICKLE1-related conditions. This variant is not present in population databases (gnomAD no frequency). This sequence change replaces isoleucine, which is neutral and non-polar, with valine, which is neutral and non-polar, at codon 258 of the PRICKLE1 protein (p.Ile258Val).

NM_153026.3(PRICKLE1):c.772A>G (p.Ile258Val)

Gene: PRICKLE1 (prickle planar cell polarity protein 1; minus strand). Cytogenetic location: 12q12.
Variant type: single nucleotide variant.
Coding change: c.772A>G on transcript NM_153026.3 (MANE Select); coding-DNA position 772, A replaced by G.
Protein change: p.Ile258Val; replaces isoleucine 258 with valine.
Molecular consequence: missense variant.
Genome position (GRCh38, 1-based): chr12:42,466,197, T>C on the plus strand (A>G on the coding strand, the complement: PRICKLE1 is on the minus strand). VCF-style: chr12-42466197-T-C. GRCh37 (hg19) VCF-style: chr12-42859999-T-C.
Other names: c.772A>G, p.Ile258Val (NM_001144881.2, NM_001144882.2, NM_001144883.2); short protein forms I258V.
Identifiers: ClinVar variation 1955482 (VCV001955482.3), dbSNP rs2503430979, ClinGen allele CA384443210.